The following is an entry in ClinVar:

ClinVar aggregate classification (germline): Uncertain significance (1 of 4 stars; one submission).

Conditions:
Neuronopathy, distal hereditary motor, type 7A. Also called: Neuronopathy, distal hereditary motor, type viia; NEURONOPATHY, DISTAL HEREDITARY MOTOR, HARDING TYPE VIIA; NEUROPATHY, DISTAL HEREDITARY MOTOR, HARDING TYPE VIIA; Neuronopathy, distal hereditary motor, autosomal dominant 7; HARPER-YOUNG MYOPATHY; HMN VIIA. Identifiers: Orphanet 139589, MedGen C1834703, MONDO:0008024, OMIM 158580.
Congenital myasthenic syndrome 20. Also called: Myasthenic syndrome, congenital, 20, presynaptic. Identifiers: MedGen C4310694, MONDO:0014939, OMIM 617143.

Allele frequency attached by ClinVar (database versions not stated): TOPMed below 0.00001.

Submission:

Labcorp Genetics (formerly Invitae), Labcorp
Classification: Uncertain significance for Neuronopathy, distal hereditary motor, type 7A; Congenital myasthenic syndrome 20. Last evaluated: 2024-01-20. Review status: criteria provided, single submitter. Criteria: Invitae Variant Classification Sherloc (09022015). Collection method: clinical testing. Allele origin: germline.
Comment: This sequence change falls in intron 3 of the SLC5A7 gene. It does not directly change the encoded amino acid sequence of the SLC5A7 protein. It affects a nucleotide within the consensus splice site. This variant is not present in population databases (gnomAD no frequency). This variant has not been reported in the literature in individuals affected with SLC5A7-related conditions. Variants that disrupt the consensus splice site are a relatively common cause of aberrant splicing (PMID: 17576681, 9536098). Algorithms developed to predict the effect of sequence changes on RNA splicing suggest that this variant may disrupt the consensus splice site. In summary, the available evidence is currently insufficient to determine the role of this variant in disease. Therefore, it has been classified as a Variant of Uncertain Significance.

Literature cited by the submitters: PubMed 17576681; PubMed 9536098.

NM_021815.5(SLC5A7):c.292+5G>C

Gene: SLC5A7 (solute carrier family 5 member 7; plus strand). Cytogenetic location: 2q12.3.
Variant type: single nucleotide variant.
Coding change: c.292+5G>C on transcript NM_021815.5 (MANE Select); 5 bases into the intron after coding-DNA position 292, G replaced by C.
Molecular consequence: intron variant.
Genome position (GRCh38, 1-based): chr2:107,992,224, G>C. VCF-style: chr2-107992224-G-C. GRCh37 (hg19) VCF-style: chr2-108608680-G-C.
Other names: c.-413+5G>C (NM_001305007.3); c.292+5G>C (NM_001305005.3); c.-24+5G>C (NM_001305006.3).
Identifiers: ClinVar variation 2922336 (VCV002922336.3), dbSNP rs1237273139, ClinGen allele CA754845173.